The following is an entry in ClinVar:

ClinVar aggregate classification (germline): not provided (0 of 4 stars; one submission).

Conditions:
Gestational diabetes mellitus uncontrolled. Identifiers: MedGen C3532257.

Submission:

Institute of Molecular and Cell Biology, University of Tartu
No classification provided. Condition: Gestational diabetes mellitus uncontrolled. Review status: no classification provided. Collection method: case-control. Allele origin: unknown. Affected: yes. Study: Kasak2014.
Comment: The study aimed to determine the contribution of copy number variants in the genetic etiology of normal and complicated pregnancies. The samples represented (i) maternal blood DNA drawn from healthy pregnant women during 1st or 2nd trimester and (ii) maternal and paternal blood DNA drawn at term pregnancy cases representing normal and complicated gestations (severe preeclampsia, PE; gestational diabetes, GD; small-for-gestational age newborn, SGA; large-for-gestational age newborn, LGA). We performed CNV calling based on genome-wide genotyping dataset (Illumina HumanOmniExpress-24-v1 BeadChip) by applying three algorithms, QuantiSNP, GADA (Genome Alteration Detection Algorithm) and CNstream in parallel. The acquired CNV calls were merged with HD-CNV (Hotspot Detector for Copy Number Variants) program and only the CNVs predicted by at least two programs, were considered in subsequent analysis.

Literature cited by the submitters: PubMed 25666259.

NM_006911.3(RLN1):c.339_*28427del

Genes: RLN1 (relaxin 1; minus strand), RLN2 (relaxin 2; minus strand). Cytogenetic location: 9p24.1.
Variant type: Deletion.
Coding change: c.339_*28427del on transcript NM_006911.3; coding-DNA position 339 through 28427 bases downstream of the stop codon, this stretch deleted.
Identifiers: ClinVar variation 157134 (VCV000157134.2).